The following is an entry in ClinVar:

NM_170744.5(UNC5B):c.2588G>A (p.Arg863His)

Gene: UNC5B (unc-5 netrin receptor B; plus strand). Cytogenetic location: 10q22.1.
Variant type: single nucleotide variant.
Coding change: c.2588G>A on transcript NM_170744.5 (MANE Select); coding-DNA position 2588, G replaced by A.
Protein change: p.Arg863His; replaces arginine 863 with histidine.
Molecular consequence: missense variant.
Genome position (GRCh38, 1-based): chr10:71,298,006, G>A. VCF-style: chr10-71298006-G-A. GRCh37 (hg19) VCF-style: chr10-73057763-G-A.
Other names: c.2555G>A, p.Arg852His (NM_001244889.2); short protein forms R852H, R863H.
Identifiers: ClinVar variation 3038343 (VCV003038343.2), dbSNP rs191624177, ClinGen allele CA5542683.

ClinVar aggregate classification (germline): Likely benign (0 of 4 stars; one submission).

Conditions:
UNC5B-related disorder. Also called: UNC5B-related condition.

Allele frequency attached by ClinVar (database versions not stated): gnomAD 0.00007; TOPMed 0.00015; ExAC 0.00033; 1000 Genomes Project 0.00040; 1000 Genomes Project 30x 0.00047.

Submission:

PreventionGenetics, part of Exact Sciences
Classification: Likely benign for UNC5B-related condition. Last evaluated: 2023-05-22. Review status: no assertion criteria provided. Collection method: clinical testing. Allele origin: germline.
Comment: This variant is classified as likely benign based on ACMG/AMP sequence variant interpretation guidelines (Richards et al. 2015 PMID: 25741868, with internal and published modifications).